The following is an entry in ClinVar:

ClinVar aggregate classification (germline): Uncertain significance (1 of 4 stars; one submission).

gnomAD v4.1: 1 of 1,608,742 alleles (0.000062%); highest among the groups gnomAD compares: Non-Finnish European, 0.000085%; no homozygotes.

Submission:

Labcorp Genetics (formerly Invitae), Labcorp
Classification: Uncertain significance. Last evaluated: 2022-08-08. Review status: criteria provided, single submitter. Criteria: Invitae Variant Classification Sherloc (09022015). Collection method: clinical testing. Allele origin: germline.
Comment: Algorithms developed to predict the effect of missense changes on protein structure and function are either unavailable or do not agree on the potential impact of this missense change (SIFT: "Deleterious"; PolyPhen-2: "Probably Damaging"; Align-GVGD: "Class C0"). This variant has not been reported in the literature in individuals affected with CLUAP1-related conditions. This variant is not present in population databases (gnomAD no frequency). This sequence change replaces glycine, which is neutral and non-polar, with arginine, which is basic and polar, at codon 91 of the CLUAP1 protein (p.Gly91Arg). Algorithms developed to predict the effect of sequence changes on RNA splicing suggest that this variant may create or strengthen a splice site. In summary, the available evidence is currently insufficient to determine the role of this variant in disease. Therefore, it has been classified as a Variant of Uncertain Significance.

NM_015041.3(CLUAP1):c.271G>A (p.Gly91Arg)

Gene: CLUAP1 (clusterin associated protein 1; plus strand). Cytogenetic location: 16p13.3.
Variant type: single nucleotide variant.
Coding change: c.271G>A on transcript NM_015041.3 (MANE Select); coding-DNA position 271, G replaced by A.
Protein change: p.Gly91Arg; replaces glycine 91 with arginine.
Molecular consequence: missense variant.
Genome position (GRCh38, 1-based): chr16:3,508,340, G>A. VCF-style: chr16-3508340-G-A. GRCh37 (hg19) VCF-style: chr16-3558340-G-A.
Other names: c.271G>A, p.Gly91Arg (NM_001330454.2); short protein forms G91R.
Identifiers: ClinVar variation 2014712 (VCV002014712.4), dbSNP rs759395759, ClinGen allele CA394512239.